The following is an entry in ClinVar:

NM_144997.7(FLCN):c.1062+8G>A

Gene: FLCN (folliculin; minus strand). Cytogenetic location: 17p11.2.
Variant type: single nucleotide variant.
Coding change: c.1062+8G>A on transcript NM_144997.7 (MANE Select); 8 bases into the intron after coding-DNA position 1062, G replaced by A.
Molecular consequence: intron variant.
Genome position (GRCh38, 1-based): chr17:17,219,011, C>T on the plus strand (G>A on the coding strand, the complement: FLCN is on the minus strand). VCF-style: chr17-17219011-C-T. GRCh37 (hg19) VCF-style: chr17-17122325-C-T.
Other names: c.1062+8G>A (NM_001353231.2, NM_001353230.2); c.1116+8G>A (NM_001353229.2).
Identifiers: ClinVar variation 1078326 (VCV001078326.8), dbSNP rs1317761101, ClinGen allele CA2499223916.

ClinVar aggregate classification (germline): Likely benign. Review status: criteria provided, multiple submitters, no conflicts (2 of 4 stars). 2 submissions from 2 submitters: Likely benign (2). Last evaluated 2024-10-24.

Conditions:
Birt-Hogg-Dube syndrome 1 (BHD1). Also called: FIBROFOLLICULOMAS WITH TRICHODISCOMAS AND ACROCHORDONS. Identifiers: Orphanet 122, MedGen CN375946, MONDO:0800445, OMIM 135150.
Birt-Hogg-Dube syndrome. Also called: Birt Hogg Dubé syndrome. Identifiers: Orphanet 122, MedGen C0346010, MONDO:0800444.

Submissions (2):

Myriad Genetics, Inc.
Classification: Likely benign for Birt-Hogg-Dube syndrome 1. Last evaluated: 2024-10-24. Review status: criteria provided, single submitter. Criteria: Myriad Autosomal Dominant, Autosomal Recessive and X-Linked Classification Criteria (2023). Collection method: clinical testing. Allele origin: unknown.
Comment: This variant is considered likely benign. This variant is intronic and is not expected to impact mRNA splicing.

Labcorp Genetics (formerly Invitae), Labcorp
Classification: Likely benign for Birt-Hogg-Dube syndrome. Last evaluated: 2021-06-05. Review status: criteria provided, single submitter. Criteria: Invitae Variant Classification Sherloc (09022015). Collection method: clinical testing. Allele origin: germline.